The following is an entry in ClinVar:

ClinVar aggregate classification (germline): Benign/Likely benign. Review status: criteria provided, multiple submitters, no conflicts (2 of 4 stars). 4 submissions from 4 submitters: Benign (1); Likely benign (3). Last evaluated 2025-12-29.

Conditions:
Hereditary diffuse gastric adenocarcinoma (HDGC). Also called: DIFFUSE GASTRIC AND LOBULAR BREAST CANCER SYNDROME. Identifiers: Orphanet 26106, MedGen C1708349, MONDO:0007648, OMIM 137215.
Hereditary cancer-predisposing syndrome. Also called: Neoplastic Syndromes, Hereditary; Hereditary Cancer Syndrome; Tumor predisposition; Hereditary neoplastic syndrome. Identifiers: Orphanet 140162, MedGen C0027672, MeSH D009386, MONDO:0015356.

Allele frequency attached by ClinVar (database versions not stated): gnomAD 0.00001 and 0.00002; gnomAD exomes 0.00001 and 0.00003; ExAC 0.00002; TOPMed 0.00002.
gnomAD v4.1: 19 of 1,613,948 alleles (0.0012%); highest among the groups gnomAD compares: South Asian, 0.0033%; no homozygotes.

Submissions (4):

Labcorp Genetics (formerly Invitae), Labcorp
Classification: Likely benign. Last evaluated: 2025-12-29. Review status: criteria provided, single submitter. Criteria: Invitae Variant Classification Sherloc (09022015). Collection method: clinical testing. Allele origin: germline.

Myriad Genetics, Inc.
Classification: Benign for Hereditary diffuse gastric adenocarcinoma. Last evaluated: 2024-10-15. Review status: criteria provided, single submitter. Criteria: Myriad Autosomal Dominant, Autosomal Recessive and X-Linked Classification Criteria (2023). Collection method: clinical testing. Allele origin: unknown.
Comment: This variant is considered benign. This variant is a silent/synonymous amino acid change and it is not expected to impact splicing.

Blueprint Genetics
Classification: Likely benign. Last evaluated: 2023-07-26. Review status: criteria provided, single submitter. Criteria: ACMG Guidelines, 2015. Collection method: clinical testing. Allele origin: germline.

Ambry Genetics
Classification: Likely benign for Hereditary cancer-predisposing syndrome. Last evaluated: 2020-09-14. Review status: criteria provided, single submitter. Criteria: Ambry Variant Classification Scheme 2023. Collection method: clinical testing. Allele origin: germline.

NM_001903.5(CTNNA1):c.2412C>T (p.Gly804=)

Gene: CTNNA1 (catenin alpha 1; plus strand). Cytogenetic location: 5q31.2.
Variant type: single nucleotide variant.
Coding change: c.2412C>T on transcript NM_001903.5 (MANE Select); coding-DNA position 2412, C replaced by T.
Protein change: p.Gly804=; no amino-acid change (glycine 804 retained).
Molecular consequence: synonymous variant. On other transcripts: intron variant (1).
Genome position (GRCh38, 1-based): chr5:138,932,691, C>T. VCF-style: chr5-138932691-C-T. GRCh37 (hg19) VCF-style: chr5-138268380-C-T.
Other names: c.2412C>T, p.Gly804= (NM_001290307.3, NM_001323982.2, NM_001323983.1 and 2 more transcripts); c.2103C>T, p.Gly701= (NM_001290309.3); c.2043C>T, p.Gly681= (NM_001290310.3); c.1302C>T, p.Gly434= (NM_001290312.1, NM_001323987.1, NM_001323988.1 and 16 more transcripts); c.2319C>T, p.Gly773= (NM_001323986.2); c.963C>T, p.Gly321= (NM_001324006.1, NM_001324007.1, NM_001324008.1 and 2 more transcripts); c.1209C>T, p.Gly403= (NM_001324011.1); c.1059C>T, p.Gly353= (NM_001324012.1, NM_001324013.1); and 1 more.
Identifiers: ClinVar variation 647486 (VCV000647486.15), dbSNP rs61759501, ClinGen allele CA3432181.